The following is an entry in ClinVar:

NM_000535.7(PMS2):c.1257A>G (p.Arg419=)

Gene: PMS2 (PMS1 homolog 2, mismatch repair system component; minus strand). Cytogenetic location: 7p22.1.
Variant type: single nucleotide variant.
Coding change: c.1257A>G on transcript NM_000535.7 (MANE Select); coding-DNA position 1257, A replaced by G.
Protein change: p.Arg419=; no amino-acid change (arginine 419 retained).
Molecular consequence: synonymous variant. On other transcripts: non-coding transcript variant (1), intron variant (1).
Genome position (GRCh38, 1-based): chr7:5,987,508, T>C on the plus strand (A>G on the coding strand, the complement: PMS2 is on the minus strand). VCF-style: chr7-5987508-T-C. GRCh37 (hg19) VCF-style: chr7-6027139-T-C.
Other names: c.852A>G, p.Arg284= (NM_001406889.1, NM_001406890.1, NM_001406891.1 and 16 more transcripts); c.792A>G, p.Arg264= (NM_001406900.1); c.783A>G, p.Arg261= (NM_001406901.1, NM_001406902.1); c.939A>G, p.Arg313= (NM_001406903.1, NM_001322007.2, NM_001322008.2 and 2 more transcripts); c.744A>G, p.Arg248= (NM_001406904.1, NM_001406905.1); c.696A>G, p.Arg232= (NM_001406906.1, NM_001406907.1, NM_001322010.2); c.1101A>G, p.Arg367= (NM_001322006.2, NM_001406870.1); c.324A>G, p.Arg108= (NM_001322011.2, NM_001322012.2); and 13 more.
Identifiers: ClinVar variation 3643046 (VCV003643046.3).
Genomic context (GRCh38, chr7:5,987,508, plus strand): 5'-AGTCTTTGGGCTGTGAGGCTTGTTCTCTGTTGTGTGACGAAGAGAAAAGGCCTCTCGCAG[T>C]CTGGAAATGGACACGTCTTTTTTTTCTTCTCCAGTCCTTAATGAAGGGGATTGATCCTGC-3'
Protein context (NP_000526.2, residues 409-429): GEEKKDVSIS[Arg419=]LREAFSLRHT

ClinVar aggregate classification (germline): Benign/Likely benign. Review status: criteria provided, multiple submitters, no conflicts (2 of 4 stars). 2 submissions from 2 submitters: Benign (1); Likely benign (1). Last evaluated 2025-01-30.

Conditions:
Hereditary nonpolyposis colorectal neoplasms. Identifiers: MedGen C0009405, MeSH D003123.
Lynch syndrome 4 (LYNCH4). Also called: Hereditary non-polyposis colorectal cancer, type 4; Colorectal cancer, hereditary nonpolyposis, type 4. Identifiers: Orphanet 144, MedGen C1838333, MONDO:0013699, OMIM 614337. Disease mechanism: loss of function.

Submissions (2):

Myriad Genetics, Inc.
Classification: Benign for Lynch syndrome 4. Last evaluated: 2025-01-30. Review status: criteria provided, single submitter. Criteria: Myriad Autosomal Dominant, Autosomal Recessive and X-Linked Classification Criteria (2023). Collection method: clinical testing. Allele origin: unknown.
Comment: This variant is considered benign. This variant is a silent/synonymous amino acid change and it is not expected to impact splicing.

Labcorp Genetics (formerly Invitae), Labcorp
Classification: Likely benign for Hereditary nonpolyposis colorectal neoplasms. Last evaluated: 2024-02-24. Review status: criteria provided, single submitter. Criteria: Invitae Variant Classification Sherloc (09022015). Collection method: clinical testing. Allele origin: germline.